The following is an entry in ClinVar:

ClinVar aggregate classification (germline): Uncertain significance. Review status: criteria provided, multiple submitters, no conflicts (2 of 4 stars). 8 submissions from 8 submitters: Uncertain significance (7). 1 of the submissions does not count toward it. Last evaluated 2025-10-22.

Conditions:
Fanconi anemia complementation group J. Also called: BRIP1-Related Fanconi Anemia. Identifiers: Orphanet 84, MedGen C1836860, MONDO:0012187, OMIM 609054.
Ovarian cancer. Also called: OVARIAN CANCER, SOMATIC. Identifiers: Orphanet 213500, MedGen C1140680, MONDO:0008170, OMIM 167000.
Hereditary cancer-predisposing syndrome. Also called: Hereditary neoplastic syndrome; Neoplastic Syndromes, Hereditary; Tumor predisposition; Hereditary Cancer Syndrome. Identifiers: Orphanet 140162, MedGen C0027672, MeSH D009386, MONDO:0015356.
Familial cancer of breast. Also called: BREAST CANCER, FAMILIAL; Hereditary breast cancer; hereditary breast carcinoma. Identifiers: Orphanet 227535, MedGen C0346153, MONDO:0016419, OMIM 114480. Disease mechanism: loss of function.

Allele frequency attached by ClinVar (database versions not stated): ExAC 0.00001; gnomAD 0.00001; gnomAD exomes 0.00001; TOPMed 0.00002.
gnomAD v4.1: 2 of 1,613,858 alleles (0.00012%); highest among the groups gnomAD compares: African/African-American, 0.0013%; no homozygotes.

Submissions (8):

Ambry Genetics
Classification: Uncertain significance for Hereditary cancer-predisposing syndrome. Last evaluated: 2025-10-22. Review status: criteria provided, single submitter. Criteria: Ambry Variant Classification Scheme 2023. Collection method: clinical testing. Allele origin: germline.

St. Jude Molecular Pathology, St. Jude Children's Research Hospital
Classification: Uncertain significance for Familial cancer of breast. Last evaluated: 2025-06-17. Review status: criteria provided, single submitter. Criteria: St. Jude Assertion Criteria 2020. Collection method: clinical testing. Allele origin: germline.
Comment: The BRIP1 c.1109A>G p.(Asn370Ser) missense change has a maximum subpopulation frequency of 0.0018% in gnomAD v2.1.1. The in silico tool REVEL is inconclusive about a pathogenic or benign effect of this variant on protein function, and to our knowledge functional studies have not been performed. This variant has been reported in an individual with ovarian cancer (PMID: 24448499) and in an individual with head and neck cancer (PMID: 28678401). In summary, the evidence currently available is insufficient to determine the clinical significance of this variant. It has therefore been classified as of uncertain significance.

Color Diagnostics, LLC DBA Color Health
Classification: Uncertain significance for Hereditary cancer-predisposing syndrome. Last evaluated: 2025-01-07. Review status: criteria provided, single submitter. Criteria: ACMG Guidelines, 2015. Collection method: clinical testing. Allele origin: germline.
Comment: This missense variant replaces asparagine with serine at codon 370 of the BRIP1 protein. Computational prediction suggests that this variant may not impact protein structure and function. To our knowledge, functional studies have not been reported for this variant. This variant has been reported in individuals affected with ovarian cancer (PMID: 24448499, 26689913) or head and neck squamous cell carcinoma (PMID: 28678401). This variant has been identified in 2/251326 chromosomes in the general population by the Genome Aggregation Database (gnomAD). The available evidence is insufficient to determine the role of this variant in disease conclusively. Therefore, this variant is classified as a Variant of Uncertain Significance.

Labcorp Genetics (formerly Invitae), Labcorp
Classification: Uncertain significance for Familial cancer of breast; Fanconi anemia complementation group J. Last evaluated: 2024-10-27. Review status: criteria provided, single submitter. Criteria: Invitae Variant Classification Sherloc (09022015). Collection method: clinical testing. Allele origin: germline.
Comment: This sequence change replaces asparagine, which is neutral and polar, with serine, which is neutral and polar, at codon 370 of the BRIP1 protein (p.Asn370Ser). This variant is present in population databases (rs777511615, gnomAD 0.0009%). This missense change has been observed in individual(s) with ovarian cancer and an individual affected with head and neck cancer (PMID: 24448499, 28678401). ClinVar contains an entry for this variant (Variation ID: 483144). Invitae Evidence Modeling of protein sequence and biophysical properties (such as structural, functional, and spatial information, amino acid conservation, physicochemical variation, residue mobility, and thermodynamic stability) has been performed for this missense variant. However, the output from this modeling did not meet the statistical confidence thresholds required to predict the impact of this variant on BRIP1 protein function. In summary, the available evidence is currently insufficient to determine the role of this variant in disease. Therefore, it has been classified as a Variant of Uncertain Significance.

Myriad Genetics, Inc.
Classification: Uncertain significance for Familial cancer of breast. Last evaluated: 2023-02-27. Review status: criteria provided, single submitter. Criteria: Myriad Autosomal Dominant, Autosomal Recessive and X-Linked Classification Criteria (2023). Collection method: clinical testing. Allele origin: unknown.
Comment: This variant is classified as a variant of uncertain significance as there is insufficient evidence to determine its impact on protein function and/or cancer risk.

Women's Health and Genetics/Laboratory Corporation of America, LabCorp
Classification: Uncertain significance. Last evaluated: 2017-06-05. Review status: criteria provided, single submitter. Criteria: LabCorp Variant Classification Summary - May 2015. Collection method: clinical testing. Allele origin: germline.
Comment: Variant summary: The BRIP1 c.1109A>G (p.Asn370Ser) variant located in the P-loop containing nucleoside triphosphate hydrolase domain (via InterPro) involves the alteration of a conserved nucleotide and 2/4 in silico tools (SNPsandGO not captured due to low reliability index) predict a benign outcome. However, these predictions have yet to be functionally assessed. This variant was found in 1/122506 control chromosomes at a frequency of 0.0000082, which does not exceed the estimated maximal expected allele frequency of a pathogenic BRIP1 variant (0.0000625). Multiple publications have cited the variant in affected cohorts, however, limited information is available (ie, lack of co-occurrence and cosegregation data). The variant of interest has not, to our knowledge, been reported by reputable databases/clinical diagnostic laboratories. Therefore, until additional information becomes available, ie, clinical and functional studies, the variant of interest has been classified as a "Variant of Uncertain Significance (VUS)."

Illumina Laboratory Services, Illumina
Classification: Uncertain significance for Fanconi anemia complementation group J. Last evaluated: 2017-04-27. Review status: criteria provided, single submitter. Criteria: ICSL Variant Classification Criteria 13 December 2019. Collection method: clinical testing. Allele origin: germline.

Counsyl
Classification: Uncertain significance for Fanconi anemia complementation group J; Ovarian cancer. Last evaluated: 2017-01-17. Review status: no assertion criteria provided. Collection method: clinical testing. Allele origin: unknown. Not counted in ClinVar's aggregate classification.

Literature cited by the submitters: PubMed 24448499 (cited by 4 submitters); PubMed 26689913 (cited by Color Diagnostics, LLC DBA Color Health and Women's Health and Genetics/Laboratory Corporation of America, LabCorp); PubMed 28678401 (cited by Color Diagnostics, LLC DBA Color Health and Labcorp Genetics (formerly Invitae), Labcorp).

NM_032043.3(BRIP1):c.1109A>G (p.Asn370Ser)

Gene: BRIP1 (BRCA1 interacting DNA helicase 1; minus strand). Cytogenetic location: 17q23.2.
Variant type: single nucleotide variant.
Coding change: c.1109A>G on transcript NM_032043.3 (MANE Select); coding-DNA position 1109, A replaced by G.
Protein change: p.Asn370Ser; replaces asparagine 370 with serine.
Molecular consequence: missense variant.
Genome position (GRCh38, 1-based): chr17:61,801,284, T>C on the plus strand (A>G on the coding strand, the complement: BRIP1 is on the minus strand). VCF-style: chr17-61801284-T-C. GRCh37 (hg19) VCF-style: chr17-59878645-T-C.
Other names: short protein forms N370S.
Identifiers: ClinVar variation 483144 (VCV000483144.26), dbSNP rs777511615, ClinGen allele CA8690802.
Genomic context (GRCh38, chr17:61,801,284, plus strand): 5'-AAGGTTCTCATTTTTACACATATACTCACACTTTCCCTTATTTGTGCATCTAGAAGATAG[T>C]TGTAGGGACAAAATATGATGTCAGCATCTTGTATTAGTTCTCGGGCTGTGTAATATGGAC-3'
Protein context (NP_114432.2, residues 360-380): QDADIIFCPY[Asn370Ser]YLLDAQIRES